The following is an entry in ClinVar:

ClinVar aggregate classification (germline): Uncertain significance (0 of 4 stars; one submission).

Conditions:
Fanconi anemia complementation group A (FANCA). Also called: Fanconi anemia, group A; FANCA-Related Fanconi Anemia. Identifiers: Orphanet 84, MedGen C3469521, MONDO:0009215, OMIM 227650.

Submission:

Leiden Open Variation Database
Classification: Uncertain significance for Fanconi anemia complementation group A. Last evaluated: 2020-02-28. Review status: no assertion criteria provided. Collection method: curation. Allele origin: germline. Affected: yes.
Comment: Curator: Arleen D. Auerbach. Submitter to LOVD: Arleen D. Auerbach.

NC_000016.10:g.(89805393_89808293)_(89808368_89810706)del

Gene: FANCA (FA complementation group A; minus strand). Cytogenetic location: 16q24.3.
Variant type: Deletion.
Identifiers: ClinVar variation 974195 (VCV000974195.1).